The following is an entry in ClinVar:

ClinVar aggregate classification (germline): Likely benign. Review status: criteria provided, single submitter (1 of 4 stars). 2 submissions from 2 submitters: Likely benign (1). 1 of the submissions does not count toward it. Last evaluated 2023-01-29.

Conditions:
ARSG-related disorder. Also called: ARSG-related condition.

Allele frequency attached by ClinVar (database versions not stated): ExAC 0.00002; gnomAD 0.00003.
gnomAD v4.1: 15 of 1,613,868 alleles (0.00093%); highest among the groups gnomAD compares: African/African-American, 0.0027%; no homozygotes.

Submissions (2):

Labcorp Genetics (formerly Invitae), Labcorp
Classification: Likely benign. Last evaluated: 2023-01-29. Review status: criteria provided, single submitter. Criteria: Invitae Variant Classification Sherloc (09022015). Collection method: clinical testing. Allele origin: germline.

PreventionGenetics, part of Exact Sciences
Classification: Likely benign for ARSG-related condition. Last evaluated: 2019-03-18. Review status: no assertion criteria provided. Collection method: clinical testing. Allele origin: germline. Not counted in ClinVar's aggregate classification.
Comment: This variant is classified as likely benign based on ACMG/AMP sequence variant interpretation guidelines (Richards et al. 2015 PMID: 25741868, with internal and published modifications).

NM_001267727.2(ARSG):c.723C>T (p.Phe241=)

Gene: ARSG (arylsulfatase G; plus strand). Cytogenetic location: 17q24.2.
Variant type: single nucleotide variant.
Coding change: c.723C>T on transcript NM_001267727.2 (MANE Select); coding-DNA position 723, C replaced by T.
Protein change: p.Phe241=; no amino-acid change (phenylalanine 241 retained).
Molecular consequence: synonymous variant.
Genome position (GRCh38, 1-based): chr17:68,368,566, C>T. VCF-style: chr17-68368566-C-T. GRCh37 (hg19) VCF-style: chr17-66364707-C-T.
Other names: c.723C>T (NM_014960.4); c.723C>T, p.Phe241= (NM_001352899.2, NM_001352900.2, NM_001352901.2 and 3 more transcripts); c.720C>T, p.Phe240= (NM_001352903.2, NM_001352904.2, NM_001352905.2 and 2 more transcripts); c.675C>T, p.Phe225= (NM_001352909.2).
Identifiers: ClinVar variation 2995732 (VCV002995732.5), dbSNP rs761398056, ClinGen allele CA8728345.